The following is an entry in ClinVar:

NM_000152.5(GAA):c.1396G>A (p.Val466Ile)

Gene: GAA (alpha glucosidase; plus strand). Cytogenetic location: 17q25.3.
Variant type: single nucleotide variant.
Coding change: c.1396G>A on transcript NM_000152.5 (MANE Select); coding-DNA position 1396, G replaced by A.
Protein change: p.Val466Ile; replaces valine 466 with isoleucine.
Molecular consequence: missense variant.
Genome position (GRCh38, 1-based): chr17:80,110,014, G>A. VCF-style: chr17-80110014-G-A. GRCh37 (hg19) VCF-style: chr17-78083813-G-A.
Other names: c.1396G>A, p.Val466Ile (NM_001079803.3, NM_001079804.3, NM_001406741.1 and 1 more transcripts); short protein forms V466I.
Identifiers: ClinVar variation 4876290 (VCV004876290.1).

ClinVar aggregate classification (germline): Uncertain significance (1 of 4 stars; one submission).

Conditions:
Glycogen storage disease, type II (IOPD). Also called: Pompe Disease; CARDIOMEGALIA GLYCOGENICA DIFFUSA; GLYCOGENOSIS, GENERALIZED, CARDIAC FORM; GSD II; POMPE DISEASE, INFANTILE-ONSET; GLYCOGEN STORAGE DISEASE II, INFANTILE-ONSET. Identifiers: Orphanet 365, MedGen C0017921, MONDO:0009290, OMIM 232300.

gnomAD v4.1: 9 of 1,613,216 alleles (0.00056%); highest among the groups gnomAD compares: Non-Finnish European, 0.00068%; no homozygotes.

Submission:

Genomenon, Inc
Classification: Uncertain significance for Glycogen storage disease, type II. Last evaluated: 2026-07-01. Review status: criteria provided, single submitter. Criteria: Genomenon Sequence Variant Interpretation Standards - Updated. Collection method: curation. Allele origin: germline. Affected: no.
Comment: GAA p.Val466Ile (c.1396G>A) is a missense variant that changes the amino acid at codon 466 from Valine to Isoleucine. This variant has been reported in the published literature (PMID:30281819). It is absent or not present at a significant frequency in gnomAD. In silico models predict that this variant is not damaging. In conclusion, we classify GAA p.Val466Ile (c.1396G>A) as a variant of uncertain significance.

Literature cited by the submitters: PubMed 30281819.